The following is an entry in ClinVar:

ClinVar aggregate classification (germline): Conflicting classifications of pathogenicity. Review status: criteria provided, conflicting classifications (1 of 4 stars). 5 submissions from 5 submitters: Uncertain significance (2); Benign (1); Likely benign (2). Last evaluated 2025-08-21.

Conditions:
Hereditary cancer-predisposing syndrome. Also called: Neoplastic Syndromes, Hereditary; Hereditary neoplastic syndrome; Tumor predisposition; Hereditary Cancer Syndrome. Identifiers: Orphanet 140162, MedGen C0027672, MeSH D009386, MONDO:0015356.
Ataxia-telangiectasia syndrome (AT). Also called: ATAXIA-TELANGIECTASIA, COMPLEMENTATION GROUP A; Ataxia telangiectasia (A-T); Cerebello-oculocutaneous telangiectasia; Immunodeficiency with ataxia telangiectasia; ATAXIA-TELANGIECTASIA, FRESNO VARIANT; Ataxia-telangiectasia, complementation group D. Identifiers: Orphanet 100, MedGen C0004135, MONDO:0008840, OMIM 208900.
Familial cancer of breast. Also called: Hereditary breast cancer; BREAST CANCER, FAMILIAL; hereditary breast carcinoma. Identifiers: Orphanet 227535, MedGen C0346153, MONDO:0016419, OMIM 114480. Disease mechanism: loss of function.
ATM-related disorder. Also called: ATM-related disorders; ATM-related condition.

Submissions (5):

Ambry Genetics
Classification: Uncertain significance for Hereditary cancer-predisposing syndrome. Last evaluated: 2025-08-21. Review status: criteria provided, single submitter. Criteria: Ambry Variant Classification Scheme 2023. Collection method: clinical testing. Allele origin: germline.
Comment: The p.S788R variant (also known as c.2364C>G), located in coding exon 14 of the ATM gene, results from a C to G substitution at nucleotide position 2364. The serine at codon 788 is replaced by arginine, an amino acid with dissimilar properties. This amino acid position is poorly conserved in available vertebrate species. In addition, this alteration is predicted to be tolerated by in silico analysis. Based on the available evidence, the clinical significance of this variant remains unclear.

Labcorp Genetics (formerly Invitae), Labcorp
Classification: Likely benign for Ataxia-telangiectasia syndrome. Last evaluated: 2025-06-10. Review status: criteria provided, single submitter. Criteria: Invitae Variant Classification Sherloc (09022015). Collection method: clinical testing. Allele origin: germline.

Color Diagnostics, LLC DBA Color Health
Classification: Likely benign for Hereditary cancer-predisposing syndrome. Last evaluated: 2024-10-29. Review status: criteria provided, single submitter. Criteria: ACMG Guidelines, 2015. Collection method: clinical testing. Allele origin: germline.

Myriad Genetics, Inc.
Classification: Benign for Familial cancer of breast. Last evaluated: 2024-05-08. Review status: criteria provided, single submitter. Criteria: Myriad Autosomal Dominant, Autosomal Recessive and X-Linked Classification Criteria (2023). Collection method: clinical testing. Allele origin: unknown.
Comment: This variant is considered benign. This variant is strongly associated with less severe personal and family histories of cancer, typical for individuals without pathogenic variants in this gene [PMID: 25085752]. This variant has been observed at a population frequency that is significantly greater than expected given the associated disease prevalence and penetrance.

PreventionGenetics, part of Exact Sciences
Classification: Uncertain significance for ATM-related condition. Last evaluated: 2023-05-11. Review status: criteria provided, single submitter. Criteria: ACMG Guidelines, 2015. Collection method: clinical testing. Allele origin: germline.
Comment: The ATM c.2364C>G variant is predicted to result in the amino acid substitution p.Ser788Arg. To our knowledge, this variant has not been reported in the literature or in a large population database, indicating this variant is rare. This variant is interpreted as likely benign in ClinVar. A different nucleotide change resulting in the same amino acid substitution, c.2362A>C (p.Ser788Arg), has been interpreted as likely benign or benign in ClinVar. Although we suspect that the c.2364C>G (p.Ser788Arg) variant may be benign, at this time, the clinical significance of this variant is uncertain due to the absence of conclusive functional and genetic evidence.

Literature cited by the submitters: PubMed 25085752 (cited by Myriad Genetics, Inc.).

NM_000051.4(ATM):c.2364C>G (p.Ser788Arg)

Gene: ATM (ATM serine/threonine kinase; plus strand). Cytogenetic location: 11q22.3.
Variant type: single nucleotide variant.
Coding change: c.2364C>G on transcript NM_000051.4 (MANE Select); coding-DNA position 2364, C replaced by G.
Protein change: p.Ser788Arg; replaces serine 788 with arginine.
Molecular consequence: missense variant.
Genome position (GRCh38, 1-based): chr11:108,257,594, C>G. VCF-style: chr11-108257594-C-G. GRCh37 (hg19) VCF-style: chr11-108128321-C-G.
Other names: c.2364C>G, p.Ser788Arg (NM_001351834.2); c.2364C>G (NM_000051.3); short protein forms S788R.
Identifiers: ClinVar variation 1134218 (VCV001134218.13), dbSNP rs2135408164, ClinGen allele CA382540344.